The following is an entry in ClinVar:

ClinVar aggregate classification (germline): Uncertain significance (1 of 4 stars; one submission).

Conditions:
Osteogenesis imperfecta type 7 (OI7). Also called: Osteogenesis imperfecta type 2B; OI type 2B; Osteogenesis imperfecta, perinatal lethal autosomal recessive; OI type IIB; OSTEOGENESIS IMPERFECTA, TYPE IIB; OI type 7. Identifiers: MedGen C1853162, MONDO:0012536, OMIM 610682.

Allele frequency attached by ClinVar (database versions not stated): ExAC 0.00001; gnomAD exomes 0.00001; TOPMed 0.00001.

Submission:

Labcorp Genetics (formerly Invitae), Labcorp
Classification: Uncertain significance for Osteogenesis imperfecta type 7. Last evaluated: 2021-09-02. Review status: criteria provided, single submitter. Criteria: Invitae Variant Classification Sherloc (09022015). Collection method: clinical testing. Allele origin: germline.
Comment: This sequence change replaces methionine with valine at codon 297 of the CRTAP protein (p.Met297Val). The methionine residue is highly conserved and there is a small physicochemical difference between methionine and valine. This variant is present in population databases (rs761161112, ExAC 0.001%). This variant has not been reported in the literature in individuals affected with CRTAP-related conditions. Algorithms developed to predict the effect of missense changes on protein structure and function (SIFT, PolyPhen-2, Align-GVGD) all suggest that this variant is likely to be tolerated. In summary, the available evidence is currently insufficient to determine the role of this variant in disease. Therefore, it has been classified as a Variant of Uncertain Significance.

NM_006371.5(CRTAP):c.889A>G (p.Met297Val)

Gene: CRTAP (cartilage associated protein; plus strand). Cytogenetic location: 3p22.3.
Variant type: single nucleotide variant.
Coding change: c.889A>G on transcript NM_006371.5 (MANE Select); coding-DNA position 889, A replaced by G.
Protein change: p.Met297Val; replaces methionine 297 with valine.
Molecular consequence: missense variant.
Genome position (GRCh38, 1-based): chr3:33,130,034, A>G. VCF-style: chr3-33130034-A-G. GRCh37 (hg19) VCF-style: chr3-33171526-A-G.
Other names: short protein forms M297V.
Identifiers: ClinVar variation 963717 (VCV000963717.4), dbSNP rs761161112, ClinGen allele CA2300432.